The following is an entry in ClinVar:

NM_133433.4(NIPBL):c.5329-7T>G

Gene: NIPBL (NIPBL cohesin loading factor; plus strand). Cytogenetic location: 5p13.2.
Variant type: single nucleotide variant.
Coding change: c.5329-7T>G on transcript NM_133433.4 (MANE Select); 7 bases into the intron before coding-DNA position 5329, T replaced by G.
Molecular consequence: intron variant.
Genome position (GRCh38, 1-based): chr5:37,022,044, T>G. VCF-style: chr5-37022044-T-G. GRCh37 (hg19) VCF-style: chr5-37022146-T-G.
Other names: c.5329-7T>G (NM_001438586.1, NM_015384.5).
Identifiers: ClinVar variation 4990914 (VCV004990914.1).

ClinVar aggregate classification (germline): Uncertain significance (1 of 4 stars; one submission).

Conditions:
NIPBL-related disorder. Also called: NIPBL-related condition.

gnomAD v4.1: 1 of 1,612,590 alleles (0.000062%); highest among the groups gnomAD compares: African/African-American, 0.0013%; no homozygotes.

Submission:

PreventionGenetics, part of Exact Sciences
Classification: Uncertain significance for NIPBL-related condition. Last evaluated: 2026-04-13. Review status: criteria provided, single submitter. Criteria: ACMG Guidelines, 2015. Collection method: clinical testing. Allele origin: germline.
Comment: The NIPBL c.5329-7T>G variant is predicted to interfere with splicing. To our knowledge, this variant has not been reported in the literature or in a large population database (gnomAD), indicating this variant is rare. At this time, the clinical significance of this variant is uncertain due to the absence of conclusive functional and genetic evidence.